The following is an entry in ClinVar:

ClinVar aggregate classification (germline): Benign/Likely benign. Review status: criteria provided, multiple submitters, no conflicts (2 of 4 stars). 6 submissions from 6 submitters: Benign (4); Likely benign (2). Last evaluated 2026-02-01.

Conditions:
Sitosterolemia 1. Identifiers: MedGen C2749759, MONDO:0020747, OMIM 210250.
Sitosterolemia (STSL). Also called: PHYTOSTEROLEMIA. Identifiers: Orphanet 2882, MedGen C0342907, MONDO:0008863.

Allele frequency attached by ClinVar (database versions not stated): ExAC 0.00229; gnomAD 0.00636 and 0.00688; ESP Exome Variant Server 0.00777; 1000 Genomes Project 0.00599; TOPMed 0.00752; gnomAD exomes 0.00159; 1000 Genomes Project 30x 0.00593.
gnomAD v4.1: 1,910 of 1,613,330 alleles (0.12%); highest among the groups gnomAD compares: African/African-American, 2.3%; 22 homozygotes.

Submissions (6):

Labcorp Genetics (formerly Invitae), Labcorp
Classification: Benign for Sitosterolemia. Last evaluated: 2026-02-01. Review status: criteria provided, single submitter. Criteria: Invitae Variant Classification Sherloc (09022015). Collection method: clinical testing. Allele origin: germline.

Women's Health and Genetics/Laboratory Corporation of America, LabCorp
Classification: Likely benign. Last evaluated: 2023-12-03. Review status: criteria provided, single submitter. Criteria: LabCorp Variant Classification Summary - May 2015. Collection method: clinical testing. Allele origin: germline.

Mayo Clinic Laboratories, Mayo Clinic
Classification: Benign. Last evaluated: 2021-10-20. Review status: criteria provided, single submitter. Criteria: ACMG Guidelines, 2015. Collection method: clinical testing. Allele origin: germline. Observed: 4 variant alleles.
Comment: BA1, BP4

GeneDx
Classification: Likely benign. Last evaluated: 2021-06-22. Review status: criteria provided, single submitter. Criteria: GeneDx Variant Classification Process June 2021. Collection method: clinical testing. Allele origin: germline. Affected: yes.

Genetic Services Laboratory, University of Chicago
Classification: Benign. Last evaluated: 2019-10-24. Review status: criteria provided, single submitter. Criteria: ACMG Guidelines, 2015. Collection method: clinical testing. Allele origin: germline. Affected: no.

Illumina Laboratory Services, Illumina
Classification: Benign for Sitosterolemia 1. Last evaluated: 2018-01-13. Review status: criteria provided, single submitter. Criteria: ICSL Variant Classification Criteria 13 December 2019. Collection method: clinical testing. Allele origin: germline.
Comment: This variant was observed in the ICSL laboratory as part of a predisposition screen in an ostensibly healthy population. It had not been previously curated by ICSL or reported in the Human Gene Mutation Database (HGMD: prior to June 1st, 2018), and was therefore a candidate for classification through an automated scoring system. Utilizing variant allele frequency, disease prevalence and penetrance estimates, and inheritance mode, an automated score was calculated to assess if this variant is too frequent to cause the disease. Based on the score and internal cut-off values, a variant classified as benign is not then subjected to further curation. The score for this variant resulted in a classification of benign for this disease.

NM_022436.3(ABCG5):c.775-10G>T

Genes: ABCG5 (ATP binding cassette subfamily G member 5; minus strand), DYNC2LI1 (dynein cytoplasmic 2 light intermediate chain 1; plus strand). Cytogenetic location: 2p21.
Variant type: single nucleotide variant.
Coding change: c.775-10G>T on transcript NM_022436.3 (MANE Select); 10 bases into the intron before coding-DNA position 775, G replaced by T.
Molecular consequence: intron variant.
Genome position (GRCh38, 1-based): chr2:43,825,028, C>A on the plus strand (G>T on the coding strand, the complement: ABCG5 is on the minus strand). VCF-style: chr2-43825028-C-A. GRCh37 (hg19) VCF-style: chr2-44052167-C-A.
Other names: p.?; c.*16-2358C>A (NM_001348913.2, NM_001348912.2).
Identifiers: ClinVar variation 336049 (VCV000336049.22), dbSNP rs114549158, ClinGen allele CA1636513.